The following is an entry in ClinVar:

NM_001379200.1(TBX1):c.866G>C (p.Arg289Pro)

Gene: TBX1 (T-box transcription factor 1; plus strand). Cytogenetic location: 22q11.21.
Variant type: single nucleotide variant.
Coding change: c.866G>C on transcript NM_001379200.1 (MANE Select); coding-DNA position 866, G replaced by C.
Protein change: p.Arg289Pro; replaces arginine 289 with proline.
Molecular consequence: missense variant.
Genome position (GRCh38, 1-based): chr22:19,765,112, G>C. VCF-style: chr22-19765112-G-C. GRCh37 (hg19) VCF-style: chr22-19752635-G-C.
Other names: c.839G>C, p.Arg280Pro (NM_005992.1, NM_080646.2, NM_080647.1); short protein forms R280P, R289P.
Identifiers: ClinVar variation 426150 (VCV000426150.6), dbSNP rs780800634, ClinGen allele CA410683561.

ClinVar aggregate classification (germline): Uncertain significance. Review status: criteria provided, multiple submitters, no conflicts (2 of 4 stars). 4 submissions from 4 submitters: Uncertain significance (4). Last evaluated 2025-08-21.

Conditions:
Cardiovascular phenotype. Identifiers: MedGen CN230736.
DiGeorge syndrome. Also called: THIRD AND FOURTH PHARYNGEAL POUCH SYNDROME; Catch22. Identifiers: Orphanet 567, MedGen C0012236, MONDO:0008564, OMIM 188400.
TBX1-related disorder. Also called: TBX1-Related Disorders; TBX1-related condition.

Submissions (4):

Ambry Genetics
Classification: Uncertain significance for Cardiovascular phenotype. Last evaluated: 2025-08-21. Review status: criteria provided, single submitter. Criteria: Ambry Variant Classification Scheme 2023. Collection method: clinical testing. Allele origin: germline.
Comment: The c.839G>C (p.R280P) alteration is located in exon 6 (coding exon 5) of the TBX1 gene. This alteration results from a G to C substitution at nucleotide position 839, causing the arginine (R) at amino acid position 280 to be replaced by a proline (P). This variant was not reported in population-based cohorts in the Genome Aggregation Database (gnomAD). This amino acid position is highly conserved in available vertebrate species. This alteration is predicted to be deleterious by in silico analysis. Based on insufficient or conflicting evidence, the clinical significance of this alteration remains unclear.

Labcorp Genetics (formerly Invitae), Labcorp
Classification: Uncertain significance for DiGeorge syndrome. Last evaluated: 2025-07-03. Review status: criteria provided, single submitter. Criteria: Invitae Variant Classification Sherloc (09022015). Collection method: clinical testing. Allele origin: germline.
Comment: This sequence change replaces arginine, which is basic and polar, with proline, which is neutral and non-polar, at codon 280 of the TBX1 protein (p.Arg280Pro). This variant is not present in population databases (gnomAD no frequency). This variant has not been reported in the literature in individuals affected with TBX1-related conditions. ClinVar contains an entry for this variant (Variation ID: 426150). An algorithm developed to predict the effect of missense changes on protein structure and function (PolyPhen-2) suggests that this variant is likely to be disruptive. In summary, the available evidence is currently insufficient to determine the role of this variant in disease. Therefore, it has been classified as a Variant of Uncertain Significance.

PreventionGenetics, part of Exact Sciences
Classification: Uncertain significance for TBX1-related condition. Last evaluated: 2023-10-03. Review status: criteria provided, single submitter. Criteria: ACMG Guidelines, 2015. Collection method: clinical testing. Allele origin: germline.
Comment: The TBX1 c.839G>C variant is predicted to result in the amino acid substitution p.Arg280Pro. To our knowledge, this variant has not been reported in the literature or in a large population database, indicating this variant is rare. At this time, the clinical significance of this variant is uncertain due to the absence of conclusive functional and genetic evidence.

GeneDx
Classification: Uncertain significance. Last evaluated: 2019-04-29. Review status: criteria provided, single submitter. Criteria: GeneDx Variant Classification Process June 2021. Collection method: clinical testing. Allele origin: germline. Affected: yes.
Comment: Not observed in large population cohorts (Lek et al., 2016); In silico analysis, which includes protein predictors and evolutionary conservation, supports a deleterious effect; Has not been previously published as pathogenic or benign to our knowledge